The following is an entry in ClinVar:

NM_006659.4(TUBGCP2):c.2208C>T (p.Asp736=)

Gene: TUBGCP2 (tubulin gamma complex component 2; minus strand). Cytogenetic location: 10q26.3.
Variant type: single nucleotide variant.
Coding change: c.2208C>T on transcript NM_006659.4 (MANE Select); coding-DNA position 2208, C replaced by T.
Protein change: p.Asp736=; no amino-acid change (aspartic acid 736 retained).
Molecular consequence: synonymous variant. On other transcripts: non-coding transcript variant (1).
Genome position (GRCh38, 1-based): chr10:133,283,159, G>A on the plus strand (C>T on the coding strand, the complement: TUBGCP2 is on the minus strand). VCF-style: chr10-133283159-G-A. GRCh37 (hg19) VCF-style: chr10-135096663-G-A.
Other names: c.2292C>T, p.Asp764= (NM_001256617.2); c.1818C>T, p.Asp606= (NM_001256618.2).
Identifiers: ClinVar variation 3049997 (VCV003049997.2), dbSNP rs2493598653, ClinGen allele CA472160379.

ClinVar aggregate classification (germline): Likely benign (0 of 4 stars; one submission).

Conditions:
TUBGCP2-related disorder. Also called: TUBGCP2-related condition.

Submission:

PreventionGenetics, part of Exact Sciences
Classification: Likely benign for TUBGCP2-related condition. Last evaluated: 2022-07-29. Review status: no assertion criteria provided. Collection method: clinical testing. Allele origin: germline.
Comment: This variant is classified as likely benign based on ACMG/AMP sequence variant interpretation guidelines (Richards et al. 2015 PMID: 25741868, with internal and published modifications).